The following is an entry in ClinVar:

ClinVar aggregate classification (germline): Uncertain significance. Review status: criteria provided, multiple submitters, no conflicts (2 of 4 stars). 2 submissions from 2 submitters: Uncertain significance (2). Last evaluated 2025-02-06.

Conditions:
Cardiovascular phenotype. Identifiers: MedGen CN230736.
Noonan syndrome 9 (NS9). Identifiers: Orphanet 648, MedGen C4225282, MONDO:0014691, OMIM 616559.

Allele frequency attached by ClinVar (database versions not stated): gnomAD exomes below 0.00001.
gnomAD v4.1: 1 of 1,613,926 alleles (0.000062%); highest among the groups gnomAD compares: Non-Finnish European, 0.000085%; no homozygotes.

Submissions (2):

Labcorp Genetics (formerly Invitae), Labcorp
Classification: Uncertain significance for Noonan syndrome 9. Last evaluated: 2025-02-06. Review status: criteria provided, single submitter. Criteria: Invitae Variant Classification Sherloc (09022015). Collection method: clinical testing. Allele origin: germline.
Comment: This sequence change replaces histidine, which is basic and polar, with glutamine, which is neutral and polar, at codon 1226 of the SOS2 protein (p.His1226Gln). This variant is not present in population databases (gnomAD no frequency). This variant has not been reported in the literature in individuals affected with SOS2-related conditions. ClinVar contains an entry for this variant (Variation ID: 1733848). Invitae Evidence Modeling of protein sequence and biophysical properties (such as structural, functional, and spatial information, amino acid conservation, physicochemical variation, residue mobility, and thermodynamic stability) indicates that this missense variant is not expected to disrupt SOS2 protein function with a negative predictive value of 95%. In summary, the available evidence is currently insufficient to determine the role of this variant in disease. Therefore, it has been classified as a Variant of Uncertain Significance.

Ambry Genetics
Classification: Uncertain significance for Cardiovascular phenotype. Last evaluated: 2022-04-09. Review status: criteria provided, single submitter. Criteria: Ambry Variant Classification Scheme 2023. Collection method: clinical testing. Allele origin: germline.
Comment: The p.H1226Q variant (also known as c.3678C>G), located in coding exon 23 of the SOS2 gene, results from a C to G substitution at nucleotide position 3678. The histidine at codon 1226 is replaced by glutamine, an amino acid with highly similar properties. This amino acid position is conserved. In addition, this alteration is predicted to be tolerated by in silico analysis. Since supporting evidence is limited at this time, the clinical significance of this alteration remains unclear.

NM_006939.4(SOS2):c.3678C>G (p.His1226Gln)

Gene: SOS2 (SOS Ras/Rho guanine nucleotide exchange factor 2; minus strand). Cytogenetic location: 14q21.3.
Variant type: single nucleotide variant.
Coding change: c.3678C>G on transcript NM_006939.4 (MANE Select); coding-DNA position 3678, C replaced by G.
Protein change: p.His1226Gln; replaces histidine 1226 with glutamine.
Molecular consequence: missense variant.
Genome position (GRCh38, 1-based): chr14:50,118,665, G>C on the plus strand (C>G on the coding strand, the complement: SOS2 is on the minus strand). VCF-style: chr14-50118665-G-C. GRCh37 (hg19) VCF-style: chr14-50585383-G-C.
Other names: c.3579C>G, p.His1193Gln (NM_001411020.1); short protein forms H1226Q, H1193Q.
Identifiers: ClinVar variation 1733848 (VCV001733848.3), dbSNP rs2502757647, ClinGen allele CA389638285.